The following is an entry in ClinVar:

NM_013275.6(ANKRD11):c.618C>T (p.His206=)

Gene: ANKRD11 (ankyrin repeat domain 11; minus strand). Cytogenetic location: 16q24.3.
Variant type: single nucleotide variant.
Coding change: c.618C>T on transcript NM_013275.6 (MANE Select); coding-DNA position 618, C replaced by T.
Protein change: p.His206=; no amino-acid change (histidine 206 retained).
Molecular consequence: synonymous variant. On other transcripts: non-coding transcript variant (1).
Genome position (GRCh38, 1-based): chr16:89,288,654, G>A on the plus strand (C>T on the coding strand, the complement: ANKRD11 is on the minus strand). VCF-style: chr16-89288654-G-A. GRCh37 (hg19) VCF-style: chr16-89355062-G-A.
Other names: c.618C>T, p.His206= (NM_001256182.2, NM_001256183.2).
Identifiers: ClinVar variation 2647097 (VCV002647097.25), dbSNP rs556790586, ClinGen allele CA286525321.

ClinVar aggregate classification (germline): Benign/Likely benign. Review status: criteria provided, multiple submitters, no conflicts (2 of 4 stars). 2 submissions from 2 submitters: Benign (1); Likely benign (1). Last evaluated 2025-10-28.

Conditions:
KBG syndrome (KBGS). Also called: ANKRD11-Related KBG Syndrome. Identifiers: Orphanet 2332, MedGen C0220687, MONDO:0007846, OMIM 148050.

Allele frequency attached by ClinVar (database versions not stated): gnomAD exomes 0.00001; gnomAD 0.00003; TOPMed 0.00006.
gnomAD v4.1: 14 of 1,613,962 alleles (0.00087%); highest among the groups gnomAD compares: African/African-American, 0.004%; no homozygotes.

Submissions (2):

Labcorp Genetics (formerly Invitae), Labcorp
Classification: Benign for KBG syndrome. Last evaluated: 2025-10-28. Review status: criteria provided, single submitter. Criteria: Invitae Variant Classification Sherloc (09022015). Collection method: clinical testing. Allele origin: germline.

CeGaT Center for Human Genetics Tuebingen
Classification: Likely benign. Last evaluated: 2022-10-01. Review status: criteria provided, single submitter. Criteria: CeGaT Center For Human Genetics Tuebingen Variant Classification Criteria Version 2. Collection method: clinical testing. Allele origin: germline. Affected: yes. Observed: 1 variant allele.
Comment: ANKRD11: BP4, BP7